The following is an entry in ClinVar:

NM_000051.4(ATM):c.2970T>C (p.Ile990=)

Gene: ATM (ATM serine/threonine kinase; plus strand). Cytogenetic location: 11q22.3.
Variant type: single nucleotide variant.
Coding change: c.2970T>C on transcript NM_000051.4 (MANE Select); coding-DNA position 2970, T replaced by C.
Protein change: p.Ile990=; no amino-acid change (isoleucine 990 retained).
Molecular consequence: synonymous variant.
Genome position (GRCh38, 1-based): chr11:108,271,299, T>C. VCF-style: chr11-108271299-T-C. GRCh37 (hg19) VCF-style: chr11-108142026-T-C.
Other names: c.2970T>C, p.Ile990= (NM_001351834.2).
Identifiers: ClinVar variation 1134459 (VCV001134459.13), dbSNP rs2081569239, ClinGen allele CA476674289.
Genomic context (GRCh38, chr11:108,271,299, plus strand): 5'-TTTTTACCACAGCAATGTGTGTTCTTTGTATCGTCGTGACCAAGATGTTTGTAAAACTAT[T>C]TTAAACCATGTCCTTCATGTAGTGAAAAACCTAGGTCAAAGCAATATGGACTCTGAGAAC-3'
Protein context (NP_000042.3, residues 980-1000): YRRDQDVCKT[Ile990=]LNHVLHVVKN

ClinVar aggregate classification (germline): Benign/Likely benign. Review status: criteria provided, multiple submitters, no conflicts (2 of 4 stars). 4 submissions from 4 submitters: Benign (1); Likely benign (3). Last evaluated 2025-10-19.

Conditions:
Hereditary cancer-predisposing syndrome. Also called: Neoplastic Syndromes, Hereditary; Hereditary neoplastic syndrome; Tumor predisposition; Hereditary Cancer Syndrome. Identifiers: Orphanet 140162, MedGen C0027672, MeSH D009386, MONDO:0015356.
Ataxia-telangiectasia syndrome (AT). Also called: ATAXIA-TELANGIECTASIA, COMPLEMENTATION GROUP A; Ataxia telangiectasia (A-T); Cerebello-oculocutaneous telangiectasia; Immunodeficiency with ataxia telangiectasia; ATAXIA-TELANGIECTASIA, FRESNO VARIANT; Ataxia-telangiectasia, complementation group D. Identifiers: Orphanet 100, MedGen C0004135, MONDO:0008840, OMIM 208900.
Familial cancer of breast. Also called: Hereditary breast cancer; BREAST CANCER, FAMILIAL; hereditary breast carcinoma. Identifiers: Orphanet 227535, MedGen C0346153, MONDO:0016419, OMIM 114480. Disease mechanism: loss of function.

Allele frequency attached by ClinVar (database versions not stated): gnomAD exomes below 0.00001; gnomAD 0.00001.
gnomAD v4.1: 2 of 1,614,000 alleles (0.00012%); highest among the groups gnomAD compares: African/African-American, 0.0013%; no homozygotes.

Submissions (4):

Labcorp Genetics (formerly Invitae), Labcorp
Classification: Likely benign for Ataxia-telangiectasia syndrome. Last evaluated: 2025-10-19. Review status: criteria provided, single submitter. Criteria: Invitae Variant Classification Sherloc (09022015). Collection method: clinical testing. Allele origin: germline.

Ambry Genetics
Classification: Likely benign for Hereditary cancer-predisposing syndrome. Last evaluated: 2024-07-27. Review status: criteria provided, single submitter. Criteria: Ambry Variant Classification Scheme 2023. Collection method: clinical testing. Allele origin: germline.

Myriad Genetics, Inc.
Classification: Benign for Familial cancer of breast. Last evaluated: 2024-05-13. Review status: criteria provided, single submitter. Criteria: Myriad Autosomal Dominant, Autosomal Recessive and X-Linked Classification Criteria (2023). Collection method: clinical testing. Allele origin: unknown.
Comment: This variant is considered benign. This variant is a silent/synonymous amino acid change and it is not expected to impact splicing.

GeneDx
Classification: Likely benign. Last evaluated: 2021-03-04. Review status: criteria provided, single submitter. Criteria: GeneDx Variant Classification Process June 2021. Collection method: clinical testing. Allele origin: germline. Affected: yes.